The following is an entry in ClinVar:

NM_025083.5(EDC3):c.1431C>T (p.Cys477=)

Gene: EDC3 (enhancer of mRNA decapping 3; minus strand). Cytogenetic location: 15q24.1.
Variant type: single nucleotide variant.
Coding change: c.1431C>T on transcript NM_025083.5 (MANE Select); coding-DNA position 1431, C replaced by T.
Protein change: p.Cys477=; no amino-acid change (cysteine 477 retained).
Molecular consequence: synonymous variant.
Genome position (GRCh38, 1-based): chr15:74,632,708, G>A on the plus strand (C>T on the coding strand, the complement: EDC3 is on the minus strand). VCF-style: chr15-74632708-G-A. GRCh37 (hg19) VCF-style: chr15-74925049-G-A.
Other names: c.1431C>T, p.Cys477= (NM_001142443.3, NM_001142444.3, NM_001351378.2); c.996C>T, p.Cys332= (NM_001351379.2).
Identifiers: ClinVar variation 1176633 (VCV001176633.35), dbSNP rs144101502, ClinGen allele CA7658886.

ClinVar aggregate classification (germline): Likely benign (1 of 4 stars; one submission).

Allele frequency attached by ClinVar (database versions not stated): 1000 Genomes Project 30x 0.00016; 1000 Genomes Project 0.00020; TOPMed 0.00032; gnomAD 0.00043; ESP Exome Variant Server 0.00054; gnomAD exomes 0.00066 and 0.00069; ExAC 0.00078.
gnomAD v4.1: 1,014 of 1,614,158 alleles (0.063%); highest among the groups gnomAD compares: Non-Finnish European, 0.07%; 1 homozygote.

Submission:

CeGaT Center for Human Genetics Tuebingen
Classification: Likely benign. Last evaluated: 2023-03-01. Review status: criteria provided, single submitter. Criteria: CeGaT Center For Human Genetics Tuebingen Variant Classification Criteria Version 2. Collection method: clinical testing. Allele origin: germline. Affected: yes. Observed: 3 variant alleles.
Comment: EDC3: BP4, BP7